The following is an entry in ClinVar:

NM_000747.3(CHRNB1):c.956T>C (p.Val319Ala)

Gene: CHRNB1 (cholinergic receptor nicotinic beta 1 subunit; plus strand). Cytogenetic location: 17p13.1.
Variant type: single nucleotide variant.
Coding change: c.956T>C on transcript NM_000747.3 (MANE Select); coding-DNA position 956, T replaced by C.
Protein change: p.Val319Ala; replaces valine 319 with alanine.
Molecular consequence: missense variant.
Genome position (GRCh38, 1-based): chr17:7,454,432, T>C. VCF-style: chr17-7454432-T-C. GRCh37 (hg19) VCF-style: chr17-7357751-T-C.
Other names: short protein forms V319A.
Identifiers: ClinVar variation 850367 (VCV000850367.11), dbSNP rs1908998622, ClinGen allele CA397798178.
Genomic context (GRCh38, chr17:7,454,432, plus strand): 5'-CTGAGACCTCACTATCAGTACCCATTATTATCAAGTACCTCATGTTTACCATGGTCCTCG[T>C]CACCTTCTCAGTCATCCTTAGTGTCGTGGTTCTCAACCTGCACCACCGCTCACCCCACAC-3'
Protein context (NP_000738.2, residues 309-329): IKYLMFTMVL[Val319Ala]TFSVILSVVV

ClinVar aggregate classification (germline): Uncertain significance. Review status: criteria provided, multiple submitters, no conflicts (2 of 4 stars). 2 submissions from 2 submitters: Uncertain significance (2). Last evaluated 2023-11-09.

Conditions:
Congenital myasthenic syndrome 2A. Also called: Myasthenic syndrome, congenital, 2a, slow-channel. Identifiers: Orphanet 590, MedGen C4225374, MONDO:0014581, OMIM 616313.

Submissions (2):

Revvity Omics, Revvity
Classification: Uncertain significance. Last evaluated: 2023-11-09. Review status: criteria provided, single submitter. Criteria: ACMG Guidelines, 2015. Collection method: clinical testing. Allele origin: germline.

Labcorp Genetics (formerly Invitae), Labcorp
Classification: Uncertain significance for Congenital myasthenic syndrome 2A. Last evaluated: 2022-06-07. Review status: criteria provided, single submitter. Criteria: Invitae Variant Classification Sherloc (09022015). Collection method: clinical testing. Allele origin: germline.
Comment: This sequence change replaces valine, which is neutral and non-polar, with alanine, which is neutral and non-polar, at codon 319 of the CHRNB1 protein (p.Val319Ala). This variant is not present in population databases (gnomAD no frequency). This variant has not been reported in the literature in individuals affected with CHRNB1-related conditions. ClinVar contains an entry for this variant (Variation ID: 850367). Algorithms developed to predict the effect of missense changes on protein structure and function are either unavailable or do not agree on the potential impact of this missense change (SIFT: "Deleterious"; PolyPhen-2: "Probably Damaging"; Align-GVGD: "Class C0"). In summary, the available evidence is currently insufficient to determine the role of this variant in disease. Therefore, it has been classified as a Variant of Uncertain Significance.